The following is an entry in ClinVar:

NM_002335.4(LRP5):c.4502C>T (p.Pro1501Leu)

Gene: LRP5 (LDL receptor related protein 5; plus strand). Cytogenetic location: 11q13.2.
Variant type: single nucleotide variant.
Coding change: c.4502C>T on transcript NM_002335.4 (MANE Select); coding-DNA position 4502, C replaced by T.
Protein change: p.Pro1501Leu; replaces proline 1501 with leucine.
Molecular consequence: missense variant.
Genome position (GRCh38, 1-based): chr11:68,446,449, C>T. VCF-style: chr11-68446449-C-T. GRCh37 (hg19) VCF-style: chr11-68213917-C-T.
Other names: c.2759C>T, p.Pro920Leu (NM_001291902.2); c.4502C>T (NM_002335.2); short protein forms P1501L, P920L.
Identifiers: ClinVar variation 1923040 (VCV001923040.6), dbSNP rs867899944, ClinGen allele CA381616812.

ClinVar aggregate classification (germline): Uncertain significance. Review status: criteria provided, multiple submitters, no conflicts (2 of 4 stars). 2 submissions from 2 submitters: Uncertain significance (2). Last evaluated 2024-07-16.

Allele frequency attached by ClinVar (database versions not stated): gnomAD exomes 0.00001; TOPMed 0.00001.

Submissions (2):

GeneDx
Classification: Uncertain significance. Last evaluated: 2024-07-16. Review status: criteria provided, single submitter. Criteria: GeneDx Variant Classification Process June 2021. Collection method: clinical testing. Allele origin: germline. Affected: yes.
Comment: Identified in a patient with primary osteoporosis in published literature (PMID: 35252483); Not observed at significant frequency in large population cohorts (gnomAD); In silico analysis supports that this missense variant has a deleterious effect on protein structure/function; This variant is associated with the following publications: (PMID: 35252483)

Labcorp Genetics (formerly Invitae), Labcorp
Classification: Uncertain significance. Last evaluated: 2024-06-30. Review status: criteria provided, single submitter. Criteria: Invitae Variant Classification Sherloc (09022015). Collection method: clinical testing. Allele origin: germline.
Comment: This sequence change replaces proline, which is neutral and non-polar, with leucine, which is neutral and non-polar, at codon 1501 of the LRP5 protein (p.Pro1501Leu). This variant is present in population databases (no rsID available, gnomAD 0.003%). This missense change has been observed in individual(s) with idiopathic primary osteoporosis (PMID: 35252483). ClinVar contains an entry for this variant (Variation ID: 1923040). Advanced modeling of protein sequence and biophysical properties (such as structural, functional, and spatial information, amino acid conservation, physicochemical variation, residue mobility, and thermodynamic stability) performed at Invitae indicates that this missense variant is not expected to disrupt LRP5 protein function with a negative predictive value of 95%. In summary, the available evidence is currently insufficient to determine the role of this variant in disease. Therefore, it has been classified as a Variant of Uncertain Significance.

Literature cited by the submitters: PubMed 35252483 (cited by Labcorp Genetics (formerly Invitae), Labcorp).